The following is an entry in ClinVar:

NM_001370259.2(MEN1):c.1195A>T (p.Ser399Cys)

Gene: MEN1 (menin 1; minus strand). Cytogenetic location: 11q13.1.
Variant type: single nucleotide variant.
Coding change: c.1195A>T on transcript NM_001370259.2 (MANE Select); coding-DNA position 1195, A replaced by T.
Protein change: p.Ser399Cys; replaces serine 399 with cysteine.
Molecular consequence: missense variant. On other transcripts: non-coding transcript variant (4), intron variant (1).
Genome position (GRCh38, 1-based): chr11:64,805,189, T>A on the plus strand (A>T on the coding strand, the complement: MEN1 is on the minus strand). VCF-style: chr11-64805189-T-A. GRCh37 (hg19) VCF-style: chr11-64572661-T-A.
Other names: c.1210A>T, p.Ser404Cys (NM_000244.4, NM_001407145.1, NM_130800.3 and 4 more transcripts); c.1321A>T, p.Ser441Cys (NM_001370251.2, NM_001407142.1, NM_001407143.1 and 1 more transcripts); c.1195A>T, p.Ser399Cys (NM_001370260.2, NM_001370261.2, NM_001407146.1 and 2 more transcripts); c.1090A>T, p.Ser364Cys (NM_001370262.2, NM_001370263.2, NM_001407148.1 and 1 more transcripts); c.1336A>T, p.Ser446Cys (NM_001407150.1); c.1216A>T, p.Ser406Cys (NM_001407151.1); c.1186-373A>T (NM_001407152.1); short protein forms S364C, S406C, S441C, S399C, S404C, S446C.
Identifiers: ClinVar variation 3394997 (VCV003394997.1).

ClinVar aggregate classification (germline): Uncertain significance (1 of 4 stars; one submission).

Conditions:
Hereditary cancer-predisposing syndrome. Also called: Hereditary Cancer Syndrome; Tumor predisposition; Hereditary neoplastic syndrome; Neoplastic Syndromes, Hereditary. Identifiers: Orphanet 140162, MedGen C0027672, MeSH D009386, MONDO:0015356.

Submission:

Ambry Genetics
Classification: Uncertain significance for Hereditary cancer-predisposing syndrome. Last evaluated: 2024-12-09. Review status: criteria provided, single submitter. Criteria: Ambry Variant Classification Scheme 2023. Collection method: clinical testing. Allele origin: germline.
Comment: The p.S399C variant (also known as c.1195A>T), located in coding exon 8 of the MEN1 gene, results from an A to T substitution at nucleotide position 1195. The serine at codon 399 is replaced by cysteine, an amino acid with dissimilar properties. This amino acid position is conserved. In addition, the in silico prediction for this alteration is inconclusive. Based on the available evidence, the clinical significance of this variant remains unclear.